The following is an entry in ClinVar:

ClinVar aggregate classification (germline): Uncertain significance (1 of 4 stars; one submission).

Submission:

Labcorp Genetics (formerly Invitae), Labcorp
Classification: Uncertain significance. Last evaluated: 2023-11-20. Review status: criteria provided, single submitter. Criteria: Invitae Variant Classification Sherloc (09022015). Collection method: clinical testing. Allele origin: germline.
Comment: This sequence change replaces isoleucine, which is neutral and non-polar, with serine, which is neutral and polar, at codon 1231 of the FLNB protein (p.Ile1231Ser). This variant is not present in population databases (gnomAD no frequency). This variant has not been reported in the literature in individuals affected with FLNB-related conditions. Advanced modeling of protein sequence and biophysical properties (such as structural, functional, and spatial information, amino acid conservation, physicochemical variation, residue mobility, and thermodynamic stability) performed at Invitae indicates that this missense variant is not expected to disrupt FLNB protein function with a negative predictive value of 95%. In summary, the available evidence is currently insufficient to determine the role of this variant in disease. Therefore, it has been classified as a Variant of Uncertain Significance.

NM_001457.4(FLNB):c.3692T>G (p.Ile1231Ser)

Gene: FLNB (filamin B; plus strand). Cytogenetic location: 3p14.3.
Variant type: single nucleotide variant.
Coding change: c.3692T>G on transcript NM_001457.4 (MANE Select); coding-DNA position 3692, T replaced by G.
Protein change: p.Ile1231Ser; replaces isoleucine 1231 with serine.
Molecular consequence: missense variant.
Genome position (GRCh38, 1-based): chr3:58,123,658, T>G. VCF-style: chr3-58123658-T-G. GRCh37 (hg19) VCF-style: chr3-58109385-T-G.
Other names: c.3692T>G, p.Ile1231Ser (NM_001164317.2, NM_001164318.2, NM_001164319.2); short protein forms I1231S.
Identifiers: ClinVar variation 2697760 (VCV002697760.3), dbSNP rs2471124955, ClinGen allele CA353349323.